The following is an entry in ClinVar:

ClinVar aggregate classification (germline): Likely pathogenic (1 of 4 stars; one submission).

Conditions:
Autosomal recessive early-onset Parkinson disease 6 (PARK6). Also called: PINK1 Type of Young-Onset Parkinson Disease; PARKINSON DISEASE 6, MODIFIER OF; PARKINSON DISEASE 6, EARLY-ONSET; PINK1-Related Parkinson Disease. Identifiers: Orphanet 2828, MedGen C1853833, MONDO:0011613, OMIM 605909.

Allele frequency attached by ClinVar (database versions not stated): TOPMed below 0.00001.

Submission:

Labcorp Genetics (formerly Invitae), Labcorp
Classification: Likely pathogenic for Autosomal recessive early-onset Parkinson disease 6. Last evaluated: 2024-05-01. Review status: criteria provided, single submitter. Criteria: Invitae Variant Classification Sherloc (09022015). Collection method: clinical testing. Allele origin: germline.
Comment: This sequence change replaces glutamine, which is neutral and polar, with proline, which is neutral and non-polar, at codon 126 of the PINK1 protein (p.Gln126Pro). This variant is present in population databases (no rsID available, gnomAD 0.003%). This missense change has been observed in individuals with Parkinson disease (PMID: 18286320; Invitae). It has also been observed to segregate with disease in related individuals. ClinVar contains an entry for this variant (Variation ID: 2202711). Advanced modeling of protein sequence and biophysical properties (such as structural, functional, and spatial information, amino acid conservation, physicochemical variation, residue mobility, and thermodynamic stability) performed at Invitae indicates that this missense variant is not expected to disrupt PINK1 protein function with a negative predictive value of 80%. Experimental studies have shown that this missense change affects PINK1 function (PMID: 20798600, 35042401). In summary, the currently available evidence indicates that the variant is pathogenic, but additional data are needed to prove that conclusively. Therefore, this variant has been classified as Likely Pathogenic.

Literature cited by the submitters: PubMed 18286320; PubMed 20798600; PubMed 35042401.

NM_032409.3(PINK1):c.377A>C (p.Gln126Pro)

Gene: PINK1 (PTEN induced kinase 1; plus strand). Cytogenetic location: 1p36.12.
Variant type: single nucleotide variant.
Coding change: c.377A>C on transcript NM_032409.3 (MANE Select); coding-DNA position 377, A replaced by C.
Protein change: p.Gln126Pro; replaces glutamine 126 with proline.
Molecular consequence: missense variant.
Genome position (GRCh38, 1-based): chr1:20,633,925, A>C. VCF-style: chr1-20633925-A-C. GRCh37 (hg19) VCF-style: chr1-20960418-A-C.
Other names: short protein forms Q126P.
Identifiers: ClinVar variation 2202711 (VCV002202711.4), dbSNP rs775809722, ClinGen allele CA338854488.
Genomic context (GRCh38, chr1:20,633,925, plus strand): 5'-TAGGGCTGGGCCTCATCGAGGAAAAACAGGCGGAGAGCCGGCGGGCGGTCTCGGCCTGTC[A>C]GGAGATCCAGGTGAGCGGGGCCGGGTCCTAAGCCGAGCGGAGGACGGAGCTAAGCGCGGG-3'
Protein context (NP_115785.1, residues 116-136): AESRRAVSAC[Gln126Pro]EIQAIFTQKS